The following is an entry in ClinVar:

ClinVar aggregate classification (germline): Conflicting classifications of pathogenicity. Review status: criteria provided, conflicting classifications (1 of 4 stars). 3 submissions from 3 submitters: Uncertain significance (2); Likely benign (1). Last evaluated 2025-11-06.

Conditions:
CODAS syndrome. Also called: CEREBRAL, OCULAR, DENTAL, AURICULAR, AND SKELETAL ANOMALIES SYNDROME. Identifiers: Orphanet 1458, MedGen C1838180, MONDO:0010879, OMIM 600373.
Inborn genetic diseases. Identifiers: MedGen C0950123, MeSH D030342.

gnomAD v4.1: 13 of 1,512,408 alleles (0.00086%); highest among the groups gnomAD compares: Non-Finnish European, 0.0011%; no homozygotes.

Submissions (3):

Ambry Genetics
Classification: Uncertain significance for Inborn genetic diseases. Last evaluated: 2025-11-06. Review status: criteria provided, single submitter. Criteria: Ambry Variant Classification Scheme 2023. Collection method: clinical testing. Allele origin: germline.

Labcorp Genetics (formerly Invitae), Labcorp
Classification: Likely benign. Last evaluated: 2025-10-01. Review status: criteria provided, single submitter. Criteria: Invitae Variant Classification Sherloc (09022015). Collection method: clinical testing. Allele origin: germline.

GeneDx
Classification: Uncertain significance. Last evaluated: 2025-09-24. Review status: criteria provided, single submitter. Criteria: GeneDx Variant Classification Process June 2021. Collection method: clinical testing. Allele origin: germline. Affected: yes.
Comment: Not observed at significant frequency in large population cohorts (gnomAD); In silico analysis supports that this missense variant has a deleterious effect on protein structure/function; Has not been previously published as pathogenic or benign to our knowledge

NM_004793.4(LONP1):c.1532G>A (p.Arg511His)

Gene: LONP1 (lon peptidase 1, mitochondrial; minus strand). Cytogenetic location: 19p13.3.
Variant type: single nucleotide variant.
Coding change: c.1532G>A on transcript NM_004793.4 (MANE Select); coding-DNA position 1532, G replaced by A.
Protein change: p.Arg511His; replaces arginine 511 with histidine.
Molecular consequence: missense variant. On other transcripts: non-coding transcript variant (1).
Genome position (GRCh38, 1-based): chr19:5,699,180, C>T on the plus strand (G>A on the coding strand, the complement: LONP1 is on the minus strand). VCF-style: chr19-5699180-C-T. GRCh37 (hg19) VCF-style: chr19-5699191-C-T.
Other names: c.1532G>A (NM_004793.2, NM_004793.3); c.1340G>A, p.Arg447His (NM_001276479.2); c.944G>A, p.Arg315His (NM_001276480.1); short protein forms R447H, R511H, R315H.
Identifiers: ClinVar variation 2059244 (VCV002059244.8), dbSNP rs374217265, ClinGen allele CA9114632.